The following is an entry in ClinVar:

NM_001174150.2(ARL13B):c.949G>A (p.Val317Ile)

Gene: ARL13B (ARF like GTPase 13B; plus strand). Cytogenetic location: 3q11.2.
Variant type: single nucleotide variant.
Coding change: c.949G>A on transcript NM_001174150.2 (MANE Select); coding-DNA position 949, G replaced by A.
Protein change: p.Val317Ile; replaces valine 317 with isoleucine.
Molecular consequence: missense variant. On other transcripts: non-coding transcript variant (2).
Genome position (GRCh38, 1-based): chr3:94,043,165, G>A. VCF-style: chr3-94043165-G-A. GRCh37 (hg19) VCF-style: chr3-93762009-G-A.
Other names: c.640G>A, p.Val214Ile (NM_001174151.2); c.904G>A, p.Val302Ile (NM_001321328.2); c.628G>A, p.Val210Ile (NM_144996.4); c.949G>A, p.Val317Ile (NM_182896.3); short protein forms V210I, V214I, V302I, V317I.
Identifiers: ClinVar variation 957557 (VCV000957557.7), dbSNP rs758650562, ClinGen allele CA2504215.

ClinVar aggregate classification (germline): Uncertain significance. Review status: criteria provided, multiple submitters, no conflicts (2 of 4 stars). 2 submissions from 2 submitters: Uncertain significance (2). Last evaluated 2024-02-12.

Conditions:
Joubert syndrome 8 (JBTS8). Identifiers: Orphanet 475, MedGen C2676771, MONDO:0012855, OMIM 612291.

Allele frequency attached by ClinVar (database versions not stated): gnomAD 0.00001; ExAC 0.00002; TOPMed 0.00002; gnomAD exomes 0.00003.
gnomAD v4.1: 21 of 1,613,520 alleles (0.0013%); highest among the groups gnomAD compares: Admixed American, 0.013%; no homozygotes.

Submissions (2):

Fulgent Genetics
Classification: Uncertain significance for Joubert syndrome 8. Last evaluated: 2024-02-12. Review status: criteria provided, single submitter. Criteria: ACMG Guidelines, 2015. Collection method: clinical testing. Allele origin: germline.

Labcorp Genetics (formerly Invitae), Labcorp
Classification: Uncertain significance for Joubert syndrome 8. Last evaluated: 2022-11-01. Review status: criteria provided, single submitter. Criteria: Invitae Variant Classification Sherloc (09022015). Collection method: clinical testing. Allele origin: germline.
Comment: In summary, the available evidence is currently insufficient to determine the role of this variant in disease. Therefore, it has been classified as a Variant of Uncertain Significance. Advanced modeling of protein sequence and biophysical properties (such as structural, functional, and spatial information, amino acid conservation, physicochemical variation, residue mobility, and thermodynamic stability) performed at Invitae indicates that this missense variant is not expected to disrupt ARL13B protein function. ClinVar contains an entry for this variant (Variation ID: 957557). This variant has not been reported in the literature in individuals affected with ARL13B-related conditions. This variant is present in population databases (rs758650562, gnomAD 0.02%). This sequence change replaces valine, which is neutral and non-polar, with isoleucine, which is neutral and non-polar, at codon 317 of the ARL13B protein (p.Val317Ile).